The following is an entry in ClinVar:

NM_001164508.2(NEB):c.11031_11034del (p.Pro3678fs)

Gene: NEB (nebulin; minus strand). Cytogenetic location: 2q23.3.
Variant type: Deletion.
Coding change: c.11031_11034del on transcript NM_001164508.2 (MANE Select); coding-DNA positions 11031 to 11034, 4 bases deleted (TCCG; older notation c.11031_11034delTCCG).
Protein change: p.Pro3678fs; shifts the reading frame from proline 3678.
Molecular consequence: frameshift variant.
Genome position (GRCh38, 1-based): chr2:151,618,317-151,618,320, CGGA deleted on the plus strand (TCCG on the coding strand, the reverse complement: NEB is on the minus strand). VCF-style (leftmost placement, unchanged base first): chr2-151618316-CCGGA-C. GRCh37 (hg19) VCF-style: chr2-152474830-CCGGA-C.
Other names: c.11031_11034del, p.Pro3678fs (NM_001164507.2, NM_001271208.2); c.10302_10305del, p.Pro3435fs (NM_004543.5); short protein forms P3435fs, P3678fs.
Identifiers: ClinVar variation 2058018 (VCV002058018.4), dbSNP rs2552232037, ClinGen allele CA2580063911.

ClinVar aggregate classification (germline): Pathogenic (1 of 4 stars; one submission).

Conditions:
Nemaline myopathy 2 (NEM2). Also called: Nemaline myopathy 2, autosomal recessive. Identifiers: MedGen C1850569, MONDO:0009725, OMIM 256030.

Submission:

Labcorp Genetics (formerly Invitae), Labcorp
Classification: Pathogenic for Nemaline myopathy 2. Last evaluated: 2021-12-24. Review status: criteria provided, single submitter. Criteria: Invitae Variant Classification Sherloc (09022015). Collection method: clinical testing. Allele origin: germline.
Comment: For these reasons, this variant has been classified as Pathogenic. This variant has not been reported in the literature in individuals affected with NEB-related conditions. This variant is not present in population databases (gnomAD no frequency). This sequence change creates a premature translational stop signal (p.Pro3678Serfs*10) in the NEB gene. It is expected to result in an absent or disrupted protein product. Loss-of-function variants in NEB are known to be pathogenic (PMID: 25205138).

Literature cited by the submitters: PubMed 25205138.